The following is an entry in ClinVar:

ClinVar aggregate classification (germline): Uncertain significance. Review status: criteria provided, multiple submitters, no conflicts (2 of 4 stars). 2 submissions from 2 submitters: Uncertain significance (2). Last evaluated 2024-11-13.

Allele frequency attached by ClinVar (database versions not stated): gnomAD exomes 0.00001; ExAC 0.00003.
gnomAD v4.1: 7 of 1,559,396 alleles (0.00045%); highest among the groups gnomAD compares: Admixed American, 0.0036%; no homozygotes.

Submissions (2):

Labcorp Genetics (formerly Invitae), Labcorp
Classification: Uncertain significance. Last evaluated: 2024-11-13. Review status: criteria provided, single submitter. Criteria: Invitae Variant Classification Sherloc (09022015). Collection method: clinical testing. Allele origin: germline.
Comment: This sequence change replaces arginine, which is basic and polar, with glutamine, which is neutral and polar, at codon 487 of the TCF3 protein (p.Arg487Gln). This variant is present in population databases (rs745516889, gnomAD 0.006%). This variant has not been reported in the literature in individuals affected with TCF3-related conditions. ClinVar contains an entry for this variant (Variation ID: 1362130). Invitae Evidence Modeling of protein sequence and biophysical properties (such as structural, functional, and spatial information, amino acid conservation, physicochemical variation, residue mobility, and thermodynamic stability) indicates that this missense variant is not expected to disrupt TCF3 protein function with a negative predictive value of 80%. In summary, the available evidence is currently insufficient to determine the role of this variant in disease. Therefore, it has been classified as a Variant of Uncertain Significance.

Blueprint Genetics
Classification: Uncertain significance. Last evaluated: 2022-06-29. Review status: criteria provided, single submitter. Criteria: ACMG Guidelines, 2015. Collection method: clinical testing. Allele origin: germline.

NM_003200.5(TCF3):c.1460G>A (p.Arg487Gln)

Gene: TCF3 (transcription factor 3; minus strand). Cytogenetic location: 19p13.3.
Variant type: single nucleotide variant.
Coding change: c.1460G>A on transcript NM_003200.5 (MANE Select); coding-DNA position 1460, G replaced by A.
Protein change: p.Arg487Gln; replaces arginine 487 with glutamine.
Molecular consequence: missense variant.
Genome position (GRCh38, 1-based): chr19:1,615,812, C>T on the plus strand (G>A on the coding strand, the complement: TCF3 is on the minus strand). VCF-style: chr19-1615812-C-T. GRCh37 (hg19) VCF-style: chr19-1615811-C-T.
Other names: c.1460G>A, p.Arg487Gln (NM_001136139.4, NM_001351779.2); c.1457G>A, p.Arg486Gln (NM_001351778.2); short protein forms R487Q, R486Q.
Identifiers: ClinVar variation 1362130 (VCV001362130.7), dbSNP rs745516889, ClinGen allele CA9049811.